The following is an entry in ClinVar:

NM_002335.4(LRP5):c.3040A>C (p.Thr1014Pro)

Gene: LRP5 (LDL receptor related protein 5; plus strand). Cytogenetic location: 11q13.2.
Variant type: single nucleotide variant.
Coding change: c.3040A>C on transcript NM_002335.4 (MANE Select); coding-DNA position 3040, A replaced by C.
Protein change: p.Thr1014Pro; replaces threonine 1014 with proline.
Molecular consequence: missense variant.
Genome position (GRCh38, 1-based): chr11:68,423,501, A>C. VCF-style: chr11-68423501-A-C. GRCh37 (hg19) VCF-style: chr11-68190969-A-C.
Other names: c.1297A>C, p.Thr433Pro (NM_001291902.2); short protein forms T1014P, T433P.
Identifiers: ClinVar variation 2979093 (VCV002979093.3), dbSNP rs1322840730, ClinGen allele CA381620582.

ClinVar aggregate classification (germline): Uncertain significance (1 of 4 stars; one submission).

Allele frequency attached by ClinVar (database versions not stated): gnomAD exomes below 0.00001; TOPMed below 0.00001; gnomAD 0.00001.
gnomAD v4.1: 2 of 1,613,274 alleles (0.00012%); highest among the groups gnomAD compares: Non-Finnish European, 0.00017%; no homozygotes.

Submission:

Labcorp Genetics (formerly Invitae), Labcorp
Classification: Uncertain significance. Last evaluated: 2023-12-31. Review status: criteria provided, single submitter. Criteria: Invitae Variant Classification Sherloc (09022015). Collection method: clinical testing. Allele origin: germline.
Comment: This sequence change replaces threonine, which is neutral and polar, with proline, which is neutral and non-polar, at codon 1014 of the LRP5 protein (p.Thr1014Pro). This variant is not present in population databases (gnomAD no frequency). This variant has not been reported in the literature in individuals affected with LRP5-related conditions. Advanced modeling of protein sequence and biophysical properties (such as structural, functional, and spatial information, amino acid conservation, physicochemical variation, residue mobility, and thermodynamic stability) performed at Invitae indicates that this missense variant is not expected to disrupt LRP5 protein function with a negative predictive value of 95%. In summary, the available evidence is currently insufficient to determine the role of this variant in disease. Therefore, it has been classified as a Variant of Uncertain Significance.